The following is an entry in ClinVar:

ClinVar aggregate classification (germline): Likely benign. Review status: criteria provided, multiple submitters, no conflicts (2 of 4 stars). 3 submissions from 3 submitters: Likely benign (2). 1 of the submissions does not count toward it. Last evaluated 2024-05-06.

Conditions:
TERT-related disorder. Also called: TERT-related disorders; TERT-related condition.
Idiopathic Pulmonary Fibrosis. Also called: Idiopathic fibrosing alveolitis, chronic form; idiopathic fibrosing alveolitis. Identifiers: Orphanet 2032, MedGen C1800706, MeSH D054990, MONDO:0800504.
Dyskeratosis congenita, autosomal dominant 2. Identifiers: MedGen C3151443, MONDO:0013521, OMIM 613989.
Dyskeratosis congenita. Identifiers: Orphanet 1775, MedGen C0265965, MONDO:0015780.

Allele frequency attached by ClinVar (database versions not stated): gnomAD exomes below 0.00001 and 0.00001; gnomAD 0.00001; TOPMed 0.00001.
gnomAD v4.1: 4 of 1,607,598 alleles (0.00025%); highest among the groups gnomAD compares: Admixed American, 0.0051%; no homozygotes.

Submissions (3):

Labcorp Genetics (formerly Invitae), Labcorp
Classification: Likely benign for Dyskeratosis congenita, autosomal dominant 2; Idiopathic Pulmonary Fibrosis. Last evaluated: 2024-05-06. Review status: criteria provided, single submitter. Criteria: Invitae Variant Classification Sherloc (09022015). Collection method: clinical testing. Allele origin: germline.

Ambry Genetics
Classification: Likely benign for Dyskeratosis congenita. Last evaluated: 2022-12-29. Review status: criteria provided, single submitter. Criteria: Ambry Variant Classification Scheme 2023. Collection method: clinical testing. Allele origin: germline.

PreventionGenetics, part of Exact Sciences
Classification: Likely benign for TERT-related condition. Last evaluated: 2024-03-25. Review status: no assertion criteria provided. Collection method: clinical testing. Allele origin: germline. Not counted in ClinVar's aggregate classification.
Comment: This variant is classified as likely benign based on ACMG/AMP sequence variant interpretation guidelines (Richards et al. 2015 PMID: 25741868, with internal and published modifications).

NM_198253.3(TERT):c.2584C>T (p.Leu862=)

Gene: TERT (telomerase reverse transcriptase; minus strand). Cytogenetic location: 5p15.33.
Variant type: single nucleotide variant.
Coding change: c.2584C>T on transcript NM_198253.3 (MANE Select); coding-DNA position 2584, C replaced by T.
Protein change: p.Leu862=; no amino-acid change (leucine 862 retained).
Molecular consequence: synonymous variant. On other transcripts: non-coding transcript variant (2).
Genome position (GRCh38, 1-based): chr5:1,266,534, G>A on the plus strand (C>T on the coding strand, the complement: TERT is on the minus strand). VCF-style: chr5-1266534-G-A. GRCh37 (hg19) VCF-style: chr5-1266649-G-A.
Other names: c.2584C>T, p.Leu862= (NM_001193376.3); c.2584C>T (NM_198253.2).
Identifiers: ClinVar variation 1149076 (VCV001149076.12), dbSNP rs912022971, ClinGen allele CA112939480.